The following is an entry in ClinVar:

ClinVar aggregate classification (germline): Uncertain significance (1 of 4 stars; one submission).

Conditions:
Charcot-Marie-Tooth disease type 4. Also called: Charcot-Marie-Tooth, Type 4; Charcot-Marie-Tooth disease, type IV. Identifiers: Orphanet 64749, MedGen C4082197, MONDO:0018995.

Allele frequency attached by ClinVar (database versions not stated): gnomAD exomes below 0.00001; TOPMed below 0.00001.
gnomAD v4.1: 7 of 1,614,196 alleles (0.00043%); highest among the groups gnomAD compares: Non-Finnish European, 0.00051%; no homozygotes.

Submission:

Labcorp Genetics (formerly Invitae), Labcorp
Classification: Uncertain significance for Charcot-Marie-Tooth disease type 4. Last evaluated: 2021-08-28. Review status: criteria provided, single submitter. Criteria: Invitae Variant Classification Sherloc (09022015). Collection method: clinical testing. Allele origin: germline.
Comment: This sequence change replaces threonine with alanine at codon 248 of the NDRG1 protein (p.Thr248Ala). The threonine residue is moderately conserved and there is a small physicochemical difference between threonine and alanine. This variant is not present in population databases (ExAC no frequency). This variant has not been reported in the literature in individuals affected with NDRG1-related conditions. Algorithms developed to predict the effect of missense changes on protein structure and function output the following: SIFT: "Tolerated"; PolyPhen-2: "Benign"; Align-GVGD: "Class C0". The alanine amino acid residue is found in multiple mammalian species, which suggests that this missense change does not adversely affect protein function. In summary, the available evidence is currently insufficient to determine the role of this variant in disease. Therefore, it has been classified as a Variant of Uncertain Significance.

NM_006096.4(NDRG1):c.742A>G (p.Thr248Ala)

Genes: NDRG1 (N-myc downstream regulated 1; minus strand), LOC126860531 (CDK7 strongly-dependent group 2 enhancer GRCh37_chr8:134259869-134261068; plus strand). Cytogenetic location: 8q24.22.
Variant type: single nucleotide variant.
Coding change: c.742A>G on transcript NM_006096.4 (MANE Select); coding-DNA position 742, A replaced by G.
Protein change: p.Thr248Ala; replaces threonine 248 with alanine.
Molecular consequence: missense variant.
Genome position (GRCh38, 1-based): chr8:133,248,728, T>C on the plus strand (A>G on the coding strand, the complement: NDRG1 is on the minus strand). VCF-style: chr8-133248728-T-C. GRCh37 (hg19) VCF-style: chr8-134260971-T-C.
Other names: c.742A>G, p.Thr248Ala (NM_001135242.2, NM_001374845.1, NM_001374846.1); c.544A>G, p.Thr182Ala (NM_001258432.2, NM_001374847.1); c.499A>G, p.Thr167Ala (NM_001258433.2); c.793A>G, p.Thr265Ala (NM_001374844.1); short protein forms T182A, T248A, T265A, T167A.
Identifiers: ClinVar variation 938115 (VCV000938115.6), dbSNP rs1276502410, ClinGen allele CA372255164.